The following is an entry in ClinVar:

NM_000238.4(KCNH2):c.3090_3093dup (p.Arg1032fs)

Gene: KCNH2 (potassium voltage-gated channel subfamily H member 2; minus strand). Cytogenetic location: 7q36.1.
Variant type: Duplication.
Coding change: c.3090_3093dup on transcript NM_000238.4 (MANE Select); coding-DNA positions 3090 to 3093, 4 bases duplicated (GGGT; older notation c.3090_3093dupGGGT).
Protein change: p.Arg1032fs; shifts the reading frame from arginine 1032.
Molecular consequence: frameshift variant.
Genome position (GRCh38, 1-based): chr7:150,947,387-150,947,390, ACCC duplicated on the plus strand (GGGT on the coding strand, the reverse complement: KCNH2 is on the minus strand). VCF-style (leftmost placement, unchanged base first): chr7-150947386-G-GACCC. GRCh37 (hg19) VCF-style: chr7-150644474-G-GACCC.
Other names: c.2070_2073dup, p.Arg692fs (NM_172057.3); c.3090_3093dupGGGT (NM_000238.3, NM_000238.2); c.3090_3093dup (NM_000238.2); short protein forms R1032fs, R692fs.
Identifiers: ClinVar variation 519348 (VCV000519348.15), dbSNP rs1554424091, ClinGen allele CA658797031.

ClinVar aggregate classification (germline): Pathogenic/Likely pathogenic. Review status: criteria provided, multiple submitters, no conflicts (2 of 4 stars). 3 submissions from 3 submitters: Pathogenic (2); Likely pathogenic (1). Last evaluated 2023-08-01.

Conditions:
Cardiovascular phenotype. Identifiers: MedGen CN230736.
Long QT syndrome (LQTS). Identifiers: MedGen C0023976, MeSH D008133, MONDO:0002442. Disease mechanism: loss of function. Inheritance: Various modes of inheritance.

Submissions (3):

GeneDx
Classification: Likely pathogenic. Last evaluated: 2023-08-01. Review status: criteria provided, single submitter. Criteria: GeneDx Variant Classification Process June 2021. Collection method: clinical testing. Allele origin: germline. Affected: yes.
Comment: Reported in a patient referred for Long QT syndrome genetic testing (Kapplinger et al., 2009); Not observed at significant frequency in large population cohorts (gnomAD); Frameshift variant predicted to result in protein truncation, as the last 128 amino acids are replaced with 87 different amino acids, and other loss-of-function variants have been reported downstream in HGMD; This variant is associated with the following publications: (PMID: 19716085)

Labcorp Genetics (formerly Invitae), Labcorp
Classification: Pathogenic for Long QT syndrome. Last evaluated: 2021-01-31. Review status: criteria provided, single submitter. Criteria: Invitae Variant Classification Sherloc (09022015). Collection method: clinical testing. Allele origin: germline.
Comment: For these reasons, this variant has been classified as Pathogenic. This variant disrupts the C-terminus of the KCNH2 protein. Other variant(s) that disrupt this region (p.Pro1086Alafs*33) have been determined to be pathogenic (Invitae). This suggests that variants that disrupt this region of the protein are likely to be causative of disease. This variant has been observed in individual(s) with clinical features of long QT syndrome (PMID: 19716085). ClinVar contains an entry for this variant (Variation ID: 519348). This variant is also described as 3093dupGGGT (G1031fs+87X*) in the literature. The frequency data for this variant in the population databases is considered unreliable, as metrics indicate insufficient coverage at this position in the ExAC database. This sequence change creates a premature translational stop signal (p.Arg1032Glyfs*88) in the KCNH2 gene. While this is not anticipated to result in nonsense mediated decay, it is expected to disrupt the last 128 amino acid(s) of the KCNH2 protein.

Ambry Genetics
Classification: Pathogenic for Cardiovascular phenotype. Last evaluated: 2017-12-20. Review status: criteria provided, single submitter. Criteria: Ambry Variant Classification Scheme 2023. Collection method: clinical testing. Allele origin: germline.
Comment: The c.3090_3093dupGGGT pathogenic mutation, located in coding exon 13 of the KCNH2 gene, results from a duplication of GGGT at nucleotide position 3090, causing a translational frameshift with a predicted alternate stop codon (p.R1032Gfs*88). In a study of long QT syndrome clinical genetic testing, this alteration was reported in one patient, though clinical details were limited (Kapplinger JD et al. Heart Rhythm. 2009;6:1297-303). In addition, similar C-terminal frameshift alterations have been reported in association with long QT syndrome (LQTS) in the literature, and functional studies have indicated that several of those alterations result in truncated proteins with deficient function (e.g., Sasano T et al. J. Mol. Cell. Cardiol. 2004;37:1205-11; Mihic A et al. PLoS ONE. 2011;6:e18273). This alteration is therefore expected to result in loss of function by premature protein truncation. As such, this alteration is interpreted as a disease-causing mutation.

Literature cited by the submitters: PubMed 19716085 (cited by Labcorp Genetics (formerly Invitae), Labcorp and Ambry Genetics); PubMed 12021266 (cited by Ambry Genetics); PubMed 12554641 (cited by Ambry Genetics); PubMed 15572050 (cited by Ambry Genetics); PubMed 21483829 (cited by Ambry Genetics).